The following is an entry in ClinVar:

NM_199420.4(POLQ):c.7349T>G (p.Leu2450Trp)

Gene: POLQ (DNA polymerase theta; minus strand). Cytogenetic location: 3q13.33.
Variant type: single nucleotide variant.
Coding change: c.7349T>G on transcript NM_199420.4 (MANE Select); coding-DNA position 7349, T replaced by G.
Protein change: p.Leu2450Trp; replaces leucine 2450 with tryptophan.
Molecular consequence: missense variant.
Genome position (GRCh38, 1-based): chr3:121,440,032, A>C on the plus strand (T>G on the coding strand, the complement: POLQ is on the minus strand). VCF-style: chr3-121440032-A-C. GRCh37 (hg19) VCF-style: chr3-121158879-A-C.
Other names: short protein forms L2450W.
Identifiers: ClinVar variation 2563776 (VCV002563776.2), dbSNP rs2546749866, ClinGen allele CA354098098.

ClinVar aggregate classification (germline): Uncertain significance (1 of 4 stars; one submission).

Submission:

Ambry Genetics
Classification: Uncertain significance. Last evaluated: 2023-03-26. Review status: criteria provided, single submitter. Criteria: Ambry Variant Classification Scheme 2023. Collection method: clinical testing. Allele origin: germline.
Comment: The p.L2450W variant (also known as c.7349T>G), located in coding exon 27 of the POLQ gene, results from a T to G substitution at nucleotide position 7349. The leucine at codon 2450 is replaced by tryptophan, an amino acid with similar properties. This amino acid position is conserved. In addition, this alteration is predicted to be deleterious by in silico analysis. Since supporting evidence is limited at this time, the clinical significance of this alteration remains unclear.